The following is an entry in ClinVar:

NM_005869.4(CWC27):c.1152+5C>T

Gene: CWC27 (CWC27 spliceosome associated cyclophilin; plus strand). Cytogenetic location: 5q12.3.
Variant type: single nucleotide variant.
Coding change: c.1152+5C>T on transcript NM_005869.4 (MANE Select); 5 bases into the intron after coding-DNA position 1152, C replaced by T.
Molecular consequence: intron variant.
Genome position (GRCh38, 1-based): chr5:64,971,817, C>T. VCF-style: chr5-64971817-C-T. GRCh37 (hg19) VCF-style: chr5-64267644-C-T.
Other names: c.1152+5C>T (NM_001297644.1).
Identifiers: ClinVar variation 2007317 (VCV002007317.4), dbSNP rs2531523464, ClinGen allele CA2580073372.
Genomic context (GRCh38, chr5:64,971,817, plus strand): 5'-AGTATGAAGCTTTGAGGAAGCAACAGTCAAAGAAGGGAACTTCCCGGGAAGATCAGGTAA[C>T]TTCAAAAACCCAAATCCATACAGAACTTATTGTCTTTTTATTGTTTTTAAGTGTTTCTAA-3'

ClinVar aggregate classification (germline): Uncertain significance (1 of 4 stars; one submission).

Submission:

Labcorp Genetics (formerly Invitae), Labcorp
Classification: Uncertain significance. Last evaluated: 2022-06-17. Review status: criteria provided, single submitter. Criteria: Invitae Variant Classification Sherloc (09022015). Collection method: clinical testing. Allele origin: germline.
Comment: Variants that disrupt the consensus splice site are a relatively common cause of aberrant splicing (PMID: 17576681, 9536098). Algorithms developed to predict the effect of sequence changes on RNA splicing suggest that this variant is not likely to affect RNA splicing. This variant has not been reported in the literature in individuals affected with CWC27-related conditions. This variant is not present in population databases (gnomAD no frequency). This sequence change falls in intron 12 of the CWC27 gene. It does not directly change the encoded amino acid sequence of the CWC27 protein. It affects a nucleotide within the consensus splice site. In summary, the available evidence is currently insufficient to determine the role of this variant in disease. Therefore, it has been classified as a Variant of Uncertain Significance.

Literature cited by the submitters: PubMed 17576681; PubMed 9536098.